The following is an entry in ClinVar:

NM_000264.5(PTCH1):c.2452_2453delinsGC (p.Leu818Ala)

Genes: PTCH1 (patched 1; minus strand), LOC100507346 (uncharacterized LOC100507346; plus strand). Cytogenetic location: 9q22.32.
Variant type: Indel.
Coding change: c.2452_2453delinsGC on transcript NM_000264.5 (MANE Select); coding-DNA positions 2452 to 2453, TT replaced by GC.
Protein change: p.Leu818Ala; replaces leucine 818 with alanine.
Molecular consequence: missense variant. On other transcripts: non-coding transcript variant (1).
Genome position (GRCh38, 1-based): chr9:95,467,223-95,467,224, AA replaced by GC on the plus strand (TT replaced by GC on the coding strand, the reverse complement: PTCH1 is on the minus strand). VCF-style: chr9-95467223-AA-GC. GRCh37 (hg19) VCF-style: chr9-98229505-AA-GC.
Other names: c.2296_2297delinsGC, p.Leu766Ala (NM_001354918.2); c.2254_2255delinsGC, p.Leu752Ala (NM_001083602.3); c.2449_2450delinsGC, p.Leu817Ala (NM_001083603.3); c.1999_2000delinsGC, p.Leu667Ala (NM_001083604.3, NM_001083605.3, NM_001083606.3 and 1 more transcripts); short protein forms L752A, L817A, L667A, L818A, L766A.
Identifiers: ClinVar variation 3939980 (VCV003939980.1).

ClinVar aggregate classification (germline): Uncertain significance (1 of 4 stars; one submission).

Conditions:
Hereditary cancer-predisposing syndrome. Also called: Tumor predisposition; Hereditary neoplastic syndrome; Hereditary Cancer Syndrome; Neoplastic Syndromes, Hereditary. Identifiers: Orphanet 140162, MedGen C0027672, MeSH D009386, MONDO:0015356.

Submission:

Ambry Genetics
Classification: Uncertain significance for Hereditary cancer-predisposing syndrome. Last evaluated: 2025-06-10. Review status: criteria provided, single submitter. Criteria: Ambry Variant Classification Scheme 2023. Collection method: clinical testing. Allele origin: germline.
Comment: The c.2452_2453delTTinsGC variant (also known as p.L818A), located in coding exon 15 of the PTCH1 gene, results from an in-frame deletion of TT and insertion of GC at nucleotide positions 2452 to 2453. This results in the substitution of the leucine residue for an alanine residue at codon 818, an amino acid with similar properties. This amino acid position is highly conserved in available vertebrate species. In addition, this variant is predicted to be neutral by in silico analysis (Choi Y et al. PLoS ONE. 2012; 7(10):e46688). Based on the available evidence, the clinical significance of this variant remains unclear.